The following is an entry in ClinVar:

ClinVar aggregate classification (germline): Likely pathogenic. Review status: criteria provided, single submitter (1 of 4 stars). 2 submissions from 2 submitters: Likely pathogenic (1). 1 of the submissions does not count toward it. Last evaluated 2023-06-29.

Conditions:
Fanconi anemia complementation group G. Also called: FANCG-Related Fanconi Anemia; Fanconi anemia group G. Identifiers: Orphanet 84, MedGen C3469527, MONDO:0013565, OMIM 614082.

Submissions (2):

Revvity Omics, Revvity
Classification: Likely pathogenic for Fanconi anemia complementation group G. Last evaluated: 2023-06-29. Review status: criteria provided, single submitter. Criteria: ACMG Guidelines, 2015. Collection method: clinical testing. Allele origin: germline.

Leiden Open Variation Database
Classification: Pathogenic for Fanconi anemia complementation group G. Last evaluated: 2020-02-28. Review status: no assertion criteria provided. Collection method: curation. Allele origin: germline. Affected: yes. Not counted in ClinVar's aggregate classification.
Comment: Curator: Arleen D. Auerbach. Submitter to LOVD: Johan de Winter.

Literature cited by the submitters: PubMed 17924555 (cited by Leiden Open Variation Database).

NM_004629.2(FANCG):c.1528C>T (p.Gln510Ter)

Gene: FANCG (FA complementation group G; minus strand). Cytogenetic location: 9p13.3.
Variant type: single nucleotide variant.
Coding change: c.1528C>T on transcript NM_004629.2 (MANE Select); coding-DNA position 1528, C replaced by T.
Protein change: p.Gln510Ter; replaces glutamine 510 with a stop codon.
Molecular consequence: nonsense.
Genome position (GRCh38, 1-based): chr9:35,075,035, G>A on the plus strand (C>T on the coding strand, the complement: FANCG is on the minus strand). VCF-style: chr9-35075035-G-A. GRCh37 (hg19) VCF-style: chr9-35075032-G-A.
Other names: short protein forms Q510*.
Identifiers: ClinVar variation 929698 (VCV000929698.3), dbSNP rs1829056657, ClinGen allele CA373304628.